The following is an entry in ClinVar:

NM_183235.3(RAB27A):c.96T>C (p.Gly32=)

Gene: RAB27A (RAB27A, member RAS oncogene family; minus strand). Cytogenetic location: 15q21.3.
Variant type: single nucleotide variant.
Coding change: c.96T>C on transcript NM_183235.3 (MANE Select); coding-DNA position 96, T replaced by C.
Protein change: p.Gly32=; no amino-acid change (glycine 32 retained).
Molecular consequence: synonymous variant.
Genome position (GRCh38, 1-based): chr15:55,234,839, A>G on the plus strand (T>C on the coding strand, the complement: RAB27A is on the minus strand). VCF-style: chr15-55234839-A-G. GRCh37 (hg19) VCF-style: chr15-55527037-A-G.
Other names: c.96T>C, p.Gly32= (NM_004580.5, NM_183234.3, NM_183236.3).
Identifiers: ClinVar variation 3036071 (VCV003036071.4), dbSNP rs2542814870, ClinGen allele CA490429336.

ClinVar aggregate classification (germline): Likely benign. Review status: criteria provided, single submitter (1 of 4 stars). 2 submissions from 2 submitters: Likely benign (1). 1 of the submissions does not count toward it. Last evaluated 2024-02-25.

Conditions:
RAB27A-related disorder. Also called: RAB27A-related condition.
Griscelli syndrome type 2 (GS2). Also called: GRISCELLI SYNDROME WITH HEMOPHAGOCYTIC SYNDROME; PAID SYNDROME; PARTIAL ALBINISM AND IMMUNODEFICIENCY SYNDROME. Identifiers: Orphanet 381, Orphanet 79477, MedGen C1868679, MONDO:0011872, OMIM 607624.

Submissions (2):

Labcorp Genetics (formerly Invitae), Labcorp
Classification: Likely benign for Griscelli syndrome type 2. Last evaluated: 2024-02-25. Review status: criteria provided, single submitter. Criteria: Invitae Variant Classification Sherloc (09022015). Collection method: clinical testing. Allele origin: germline.

PreventionGenetics, part of Exact Sciences
Classification: Likely benign for RAB27A-related condition. Last evaluated: 2020-06-12. Review status: no assertion criteria provided. Collection method: clinical testing. Allele origin: germline. Not counted in ClinVar's aggregate classification.
Comment: This variant is classified as likely benign based on ACMG/AMP sequence variant interpretation guidelines (Richards et al. 2015 PMID: 25741868, with internal and published modifications).